The following is an entry in ClinVar:

ClinVar aggregate classification (germline): Pathogenic/Likely pathogenic. Review status: criteria provided, multiple submitters, no conflicts (2 of 4 stars). 16 submissions from 16 submitters: Pathogenic (13); Likely pathogenic (2). 1 of the submissions does not count toward it. Last evaluated 2026-03-01.

Conditions:
Hereditary cancer-predisposing syndrome. Also called: Hereditary neoplastic syndrome; Tumor predisposition; Neoplastic Syndromes, Hereditary; Hereditary Cancer Syndrome. Identifiers: Orphanet 140162, MedGen C0027672, MeSH D009386, MONDO:0015356.
Ataxia-telangiectasia syndrome (AT). Also called: Ataxia telangiectasia (A-T); LOUIS-BAR SYNDROME; Ataxia-telangiectasia; Cerebello-oculocutaneous telangiectasia; Immunodeficiency with ataxia telangiectasia; Ataxia-telangiectasia, complementation group D. Identifiers: Orphanet 100, MedGen C0004135, MONDO:0008840, OMIM 208900.
Familial cancer of breast. Also called: hereditary breast carcinoma; Hereditary breast cancer; BREAST CANCER, FAMILIAL. Identifiers: Orphanet 227535, MedGen C0346153, MONDO:0016419, OMIM 114480. Disease mechanism: loss of function.

Allele frequency attached by ClinVar (database versions not stated): gnomAD exomes below 0.00001; ExAC 0.00001; gnomAD 0.00001; TOPMed 0.00001.

Submissions 1 to 9 of 16:

CeGaT Center for Human Genetics Tuebingen
Classification: Pathogenic. Last evaluated: 2026-03-01. Review status: criteria provided, single submitter. Criteria: CeGaT Center For Human Genetics Tuebingen Variant Classification Criteria Version 2. Collection method: clinical testing. Allele origin: germline. Affected: yes. Observed: 7 variant alleles.
Comment: ATM: PS4, PM1, PM2, PVS1:Moderate

Labcorp Genetics (formerly Invitae), Labcorp
Classification: Pathogenic for Ataxia-telangiectasia syndrome. Last evaluated: 2026-01-26. Review status: criteria provided, single submitter. Criteria: Invitae Variant Classification Sherloc (09022015). Collection method: clinical testing. Allele origin: germline.
Comment: This sequence change affects the initiator codon of the ATM mRNA. This change may impact translation initiation or efficiency. The next in-frame methionine is located at codon 94. This variant is present in population databases (rs781404312, gnomAD 0.007%). Disruption of the initiator codon has been observed in individuals with ataxia-telangiectasia (PMID: 8845835, 9463314, 12552559, 21792198, 22649200). ClinVar contains an entry for this variant (Variation ID: 188901). For these reasons, this variant has been classified as Pathogenic.

Natera, Inc.
Classification: Pathogenic for Ataxia-telangiectasia. Last evaluated: 2025-12-22. Review status: criteria provided, single submitter. Criteria: Natera Variant Classification Schema (03/2026). Collection method: clinical testing. Allele origin: germline.
Comment: The c.3G>A variant in ATM is predicted to result in start loss due to disruption of the initiator methionine. This variant is expected to result in nonsense mediated decay, truncation, or a dysfunctional protein product. This variant is rare in the general population with a frequency below the threshold expected for the associated phenotype(s). This variant has been observed in one or more individuals affected with the associated recessive disease, as either homozygous or compound heterozygous with a second variant (PMID: 12552559). Given the available evidence, this variant is classified as Pathogenic.

Ambry Genetics
Classification: Pathogenic for Hereditary cancer-predisposing syndrome. Last evaluated: 2025-11-03. Review status: criteria provided, single submitter. Criteria: Ambry Variant Classification Scheme 2023. Collection method: clinical testing. Allele origin: germline.
Comment: The p.M1? pathogenic mutation (also known as c.3G>A) is located in coding exon 1 of the ATM gene and results from a G to A substitution at nucleotide position 3. This alters the methionine residue at the initiation codon (ATG). This variant has been identified in conjunction with other ATM variants in individuals with features consistent with ataxia telangiectasia (Buzin CH et al. Hum. Mutat. 2003 Feb; 21(2):123-31; Ambry internal data). Sequence variations that modify the initiation codon are expected to result in either loss of translation initiation, N-terminal truncation, or cause a shift in the mRNA reading frame. Based on the supporting evidence, this variant is interpreted as a disease-causing mutation.

Color Diagnostics, LLC DBA Color Health
Classification: Pathogenic for Hereditary cancer-predisposing syndrome. Last evaluated: 2025-08-18. Review status: criteria provided, single submitter. Criteria: ACMG Guidelines, 2015. Collection method: clinical testing. Allele origin: germline.
Comment: This variant results in the loss of the translation start codon (methionine at codon 1) of the ATM gene. This variant is expected to disrupt the expression of the full-length ATM protein. The next in-frame methionine occurs at codon 94, but it has not been shown if a functional ATM protein product can be produced using p.Met94 as an alternative translation start site. In cell lines derived from biallelic A-T patients carrying start-loss variants, a very low level of expression of a truncated ATM protein was observed, probably due to the use of an alternate downstream methionine (PMID: 21593342, 21792198, 22146522). There was no detectable kinase activity in these cell lines. This variant has been reported in individuals affected with ataxia-telangiectasia, breast cancer, and pancreatic cancer (PMID: 12552559, 28767289, 28779002). This variant has been identified in 1/251388 chromosomes in the general population by the Genome Aggregation Database (gnomAD). Based on the available evidence, this variant is classified as Pathogenic.

Centre of Medical Genetics, University Hospital Muenster
Classification: Pathogenic. Last evaluated: 2024-09-10. Review status: criteria provided, single submitter. Criteria: ACMG Guidelines, 2015. Collection method: clinical testing. Allele origin: unknown. Affected: yes. Observed: 1 variant allele, 1 heterozygote.
Comment: ACMG categories: PVS1,PM2_sup,PM3

Myriad Genetics, Inc.
Classification: Pathogenic for Familial cancer of breast. Last evaluated: 2024-01-10. Review status: criteria provided, single submitter. Criteria: Myriad Autosomal Dominant, Autosomal Recessive and X-Linked Classification Criteria (2023). Collection method: clinical testing. Allele origin: unknown.
Comment: This variant is considered pathogenic. This variant is located within the gene translation start codon (p.Met1?) and is predicted to result in abnormal protein translation. This variant has been reported in multiple individuals with clinical features of gene-specific disease [PMID: 21665257, 9463314, 21792198, 12552559, 22649200, 22146522, 30549301].

GeneDx
Classification: Pathogenic. Last evaluated: 2023-03-29. Review status: criteria provided, single submitter. Criteria: GeneDx Variant Classification Process June 2021. Collection method: clinical testing. Allele origin: germline. Affected: yes.
Comment: Initiation codon variant in a gene for which loss-of-function is a known mechanism of disease; Observed in the compound heterozygous state in individuals with ataxia telangiectasia (Buzin et al., 2003); Observed in individuals with breast and pancreatic cancer (Decker et al., 2017; Shindo et al., 2017; Hutchings et al., 2019; Dorling et al., 2021); Not observed at significant frequency in large population cohorts (gnomAD); This variant is associated with the following publications: (PMID: 28779002, 28767289, 21681852, 29625052, 12552559, 35483985, 33471991, 35047863, 32427313, 31285527, 29922827)

Women's Health and Genetics/Laboratory Corporation of America, LabCorp
Classification: Pathogenic for Ataxia-telangiectasia syndrome. Last evaluated: 2022-10-27. Review status: criteria provided, single submitter. Criteria: LabCorp Variant Classification Summary - May 2015. Collection method: clinical testing. Allele origin: germline.
Comment: Variant summary: ATM c.3G>A (p.Met1Ile) alters the initiation codon and is predicted to result either in absence of the protein or truncation of the encoded protein due to translation initiation at a downstream codon. An alternative downstream in-frame start codon (Met94) is located in the encoded protein. An activation of potential downstream translation initiation site would result in a shortened protein missing the first 93 amino acids from the protein sequence, part of the telomere-length maintenance and DNA damage repair domain (IPR021668). Two of four in-silico tools predict a benign effect of the variant on protein function. The variant allele was found at a frequency of 4e-06 in 251388 control chromosomes (gnomAD). c.3G>A has been reported in the literature in the compound heterozygous state in individuals affected with Ataxia-Telangiectasia (e.g. Buzin_2003). The variant has also been reported in individuals affected with breast cancer, pancreatic cancer, endometrial cancer, and bladder urothelial carcinoma (Decker_2017, Shindo_2017, Huang_2018, Hutchings_2019, Dorling_2021, Yu_2022, Karpel_2022). These data indicate that the variant is very likely to be associated with disease. To our knowledge, no experimental evidence demonstrating an impact on protein function has been reported. Functional studies on other ATM variants affecting the initiation codon (c.1A>G, c.2T>C) have demonstrated the potential of translation initiation from a downstream AUG codon resulting in a truncated protein. The resulting ATM protein was expressed at low levels and lacked ATM kinase activity (PMIDs: 22146522, 21792198). Nine submitters have provided clinical-significance assessments for this variant to ClinVar after 2014. All laboratories classified the variant as either pathogenic (n=7) or likely pathogenic (n=2). Based on the evidence outlined above, the variant was classified as pathogenic.

NM_000051.4(ATM):c.3G>A (p.Met1Ile)

Gene: ATM (ATM serine/threonine kinase; plus strand). Cytogenetic location: 11q22.3.
Variant type: single nucleotide variant.
Coding change: c.3G>A on transcript NM_000051.4 (MANE Select); coding-DNA position 3, G replaced by A.
Protein change: p.Met1Ile; changes the start codon (methionine 1).
Molecular consequence: missense variant, initiator codon variant.
Genome position (GRCh38, 1-based): chr11:108,227,627, G>A. VCF-style: chr11-108227627-G-A. GRCh37 (hg19) VCF-style: chr11-108098354-G-A.
Other names: c.3G>A, p.Met1Ile (NM_001351834.2, NM_001351835.2, NM_001351836.2); short protein forms M1I.
Identifiers: ClinVar variation 188901 (VCV000188901.65), dbSNP rs781404312, ClinGen allele CA274099.